The following is an entry in ClinVar:

NM_000785.4(CYP27B1):c.265_270del (p.Ala89_Ala90del)

Gene: CYP27B1 (cytochrome P450 family 27 subfamily B member 1; minus strand). Cytogenetic location: 12q14.1.
Variant type: Deletion.
Coding change: c.265_270del on transcript NM_000785.4 (MANE Select); coding-DNA positions 265 to 270, 6 bases deleted (GCTGCC; older notation c.265_270delGCTGCC).
Protein change: p.Ala89_Ala90del.
Molecular consequence: inframe deletion.
Genome position (GRCh38, 1-based): chr12:57,766,123-57,766,128, GGCAGC deleted on the plus strand (GCTGCC on the coding strand, the reverse complement: CYP27B1 is on the minus strand). VCF-style (leftmost placement, unchanged base first): chr12-57766122-GGGCAGC-G. GRCh37 (hg19) VCF-style: chr12-58159905-GGGCAGC-G.
Identifiers: ClinVar variation 945733 (VCV000945733.8), dbSNP rs1955358587, ClinGen allele CA1139662746.

ClinVar aggregate classification (germline): Uncertain significance (1 of 4 stars; one submission).

Submission:

Labcorp Genetics (formerly Invitae), Labcorp
Classification: Uncertain significance. Last evaluated: 2019-08-13. Review status: criteria provided, single submitter. Criteria: Invitae Variant Classification Sherloc (09022015). Collection method: clinical testing. Allele origin: germline.
Comment: The frequency data for this variant in the population databases is considered unreliable, as metrics indicate insufficient coverage at this position in the ExAC database. This variant, c.265_270del, results in the deletion of 2 amino acid(s) of the CYP27B1 protein (p.Ala89_Ala90del), but otherwise preserves the integrity of the reading frame. In summary, the available evidence is currently insufficient to determine the role of this variant in disease. Therefore, it has been classified as a Variant of Uncertain Significance. Experimental studies and prediction algorithms are not available or were not evaluated for this variant, and the functional significance of the affected amino acid(s) is currently unknown. This variant has not been reported in the literature in individuals with CYP27B1-related conditions.